The following is an entry in ClinVar:

NM_001365088.1(SLC12A6):c.2268-11C>T

Gene: SLC12A6 (solute carrier family 12 member 6; minus strand). Cytogenetic location: 15q14.
Variant type: single nucleotide variant.
Coding change: c.2268-11C>T on transcript NM_001365088.1 (MANE Select); 11 bases into the intron before coding-DNA position 2268, C replaced by T.
Molecular consequence: intron variant.
Genome position (GRCh38, 1-based): chr15:34,240,840, G>A on the plus strand (C>T on the coding strand, the complement: SLC12A6 is on the minus strand). VCF-style: chr15-34240840-G-A. GRCh37 (hg19) VCF-style: chr15-34533041-G-A.
Other names: c.2091-11C>T (NM_001042495.2, NM_001042494.2); c.2241-11C>T (NM_001042496.2); c.2223-11C>T (NM_001042497.2); c.2268-11C>T (NM_133647.2); c.2115-11C>T (NM_005135.2).
Identifiers: ClinVar variation 382423 (VCV000382423.1), dbSNP rs1052186991, ClinGen allele CA16606912.

ClinVar aggregate classification (germline): Likely benign (1 of 4 stars; one submission).

Allele frequency attached by ClinVar (database versions not stated): TOPMed 0.00001.
gnomAD v4.1: 3 of 1,607,516 alleles (0.00019%); highest among the groups gnomAD compares: African/African-American, 0.0027%; no homozygotes.

Submission:

GeneDx
Classification: Likely benign. Last evaluated: 2015-12-23. Review status: criteria provided, single submitter. Criteria: GeneDx Variant Classification (06012015). Collection method: clinical testing. Allele origin: germline. Affected: yes.
Comment: This variant is considered likely benign or benign based on one or more of the following criteria: it is a conservative change, it occurs at a poorly conserved position in the protein, it is predicted to be benign by multiple in silico algorithms, and/or has population frequency not consistent with disease.